The following is an entry in ClinVar:

NM_001142864.4(PIEZO1):c.5832C>T (p.Arg1944=)

Gene: PIEZO1 (piezo type mechanosensitive ion channel component 1 (Er blood group); minus strand). Cytogenetic location: 16q24.3.
Variant type: single nucleotide variant.
Coding change: c.5832C>T on transcript NM_001142864.4 (MANE Select); coding-DNA position 5832, C replaced by T.
Protein change: p.Arg1944=; no amino-acid change (arginine 1944 retained).
Molecular consequence: synonymous variant.
Genome position (GRCh38, 1-based): chr16:88,720,502, G>A on the plus strand (C>T on the coding strand, the complement: PIEZO1 is on the minus strand). VCF-style: chr16-88720502-G-A. GRCh37 (hg19) VCF-style: chr16-88786910-G-A.
Other names: p.Arg1944=.
Identifiers: ClinVar variation 795116 (VCV000795116.4), dbSNP rs759610099, ClinGen allele CA8231757.

ClinVar aggregate classification (germline): Likely benign. Review status: criteria provided, multiple submitters, no conflicts (2 of 4 stars). 2 submissions from 2 submitters: Likely benign (2). Last evaluated 2025-05-07.

Allele frequency attached by ClinVar (database versions not stated): gnomAD exomes 0.00003 and 0.00001; ExAC 0.00005; gnomAD 0.00001; TOPMed 0.00002.

Submissions (2):

Mayo Clinic Laboratories, Mayo Clinic
Classification: Likely benign. Last evaluated: 2025-05-07. Review status: criteria provided, single submitter. Criteria: ACMG Guidelines, 2015. Collection method: clinical testing. Allele origin: germline. Observed: 1 variant allele.
Comment: BP4, BP7, PM2_supporting

Labcorp Genetics (formerly Invitae), Labcorp
Classification: Likely benign. Last evaluated: 2018-11-19. Review status: criteria provided, single submitter. Criteria: Invitae Variant Classification Sherloc (09022015). Collection method: clinical testing. Allele origin: germline.